The following is an entry in ClinVar:

NM_001458.5(FLNC):c.2041G>A (p.Gly681Ser)

Gene: FLNC (filamin C; plus strand). Cytogenetic location: 7q32.1.
Variant type: single nucleotide variant.
Coding change: c.2041G>A on transcript NM_001458.5 (MANE Select); coding-DNA position 2041, G replaced by A.
Protein change: p.Gly681Ser; replaces glycine 681 with serine.
Molecular consequence: missense variant.
Genome position (GRCh38, 1-based): chr7:128,841,487, G>A. VCF-style: chr7-128841487-G-A. GRCh37 (hg19) VCF-style: chr7-128481541-G-A.
Other names: c.2041G>A, p.Gly681Ser (NM_001127487.2); short protein forms G681S.
Identifiers: ClinVar variation 860874 (VCV000860874.38), dbSNP rs199705417, ClinGen allele CA4474569.

ClinVar aggregate classification (germline): Conflicting classifications of pathogenicity. Review status: criteria provided, conflicting classifications (1 of 4 stars). 6 submissions from 6 submitters: Uncertain significance (1); Likely benign (2). 3 of the submissions do not count toward it. Last evaluated 2025-12-14.

Conditions:
Myofibrillar myopathy 5. Also called: Filaminopathy (type); FILAMINOPATHY, AUTOSOMAL DOMINANT. Identifiers: Orphanet 171445, MedGen C1836050, MONDO:0012289, OMIM 609524.
Distal myopathy with posterior leg and anterior hand involvement. Also called: WILLIAMS DISTAL MYOPATHY. Identifiers: Orphanet 63273, MedGen C3279722, MONDO:0013550, OMIM 614065.
Hypertrophic cardiomyopathy 26. Also called: Cardiomyopathy, familial hypertrophic, 26. Identifiers: Orphanet 75249, MedGen C4310749, MONDO:0014883, OMIM 617047.
Cardiovascular phenotype. Identifiers: MedGen CN230736.

Allele frequency attached by ClinVar (database versions not stated): gnomAD exomes 0.00002 and 0.00005; gnomAD 0.00005; TOPMed 0.00005; ExAC 0.00007; ESP Exome Variant Server 0.00024.
gnomAD v4.1: 33 of 1,614,016 alleles (0.002%); highest among the groups gnomAD compares: African/African-American, 0.012%; no homozygotes.

Submissions (6):

Labcorp Genetics (formerly Invitae), Labcorp
Classification: Likely benign for Distal myopathy with posterior leg and anterior hand involvement; Myofibrillar myopathy 5; Hypertrophic cardiomyopathy 26. Last evaluated: 2025-12-14. Review status: criteria provided, single submitter. Criteria: Invitae Variant Classification Sherloc (09022015). Collection method: clinical testing. Allele origin: germline.

Ambry Genetics
Classification: Uncertain significance for Cardiovascular phenotype. Last evaluated: 2025-06-20. Review status: criteria provided, single submitter. Criteria: Ambry Variant Classification Scheme 2023. Collection method: clinical testing. Allele origin: germline.
Comment: The p.G681S variant (also known as c.2041G>A), located in coding exon 13 of the FLNC gene, results from a G to A substitution at nucleotide position 2041. The glycine at codon 681 is replaced by serine, an amino acid with similar properties. This amino acid position is highly conserved in available vertebrate species. In addition, the in silico prediction for this alteration is inconclusive. Since supporting evidence is limited at this time, the clinical significance of this alteration remains unclear.

CeGaT Center for Human Genetics Tuebingen
Classification: Likely benign. Last evaluated: 2023-04-01. Review status: criteria provided, single submitter. Criteria: CeGaT Center For Human Genetics Tuebingen Variant Classification Criteria Version 2. Collection method: clinical testing. Allele origin: germline. Affected: yes. Observed: 1 variant allele.
Comment: FLNC: BS1

Clinical Genetics DNA and cytogenetics Diagnostics Lab, Erasmus MC, Erasmus Medical Center
Classification: Uncertain significance. Review status: no assertion criteria provided. Collection method: clinical testing. Allele origin: germline. Affected: yes. Study: VKGL Data-share Consensus. Not counted in ClinVar's aggregate classification.

Diagnostic Laboratory, Department of Genetics, University Medical Center Groningen
Classification: Uncertain significance. Review status: no assertion criteria provided. Collection method: clinical testing. Allele origin: germline. Affected: yes. Study: VKGL Data-share Consensus. Not counted in ClinVar's aggregate classification.

Joint Genome Diagnostic Labs from Nijmegen and Maastricht, Radboudumc and MUMC+
Classification: Uncertain significance. Review status: no assertion criteria provided. Collection method: clinical testing. Allele origin: germline. Affected: yes. Study: VKGL Data-share Consensus. Not counted in ClinVar's aggregate classification.